The following is an entry in ClinVar:

ClinVar aggregate classification (germline): Uncertain significance (1 of 4 stars; one submission).

Conditions:
Usher syndrome type 1 (USH1). Also called: RETINITIS PIGMENTOSA AND CONGENITAL DEAFNESS. Identifiers: Orphanet 231169, Orphanet 886, MedGen C1568247, MONDO:0010168, OMIM 276900.

Submission:

Laboratory of Molecular, Cellular and Translation Genetics in Otolaryngology/ Lim32-hcfmusp, University of Sao Paulo School of Medicine Clinics Hospital
Classification: Uncertain significance for Usher syndrome type 1. Last evaluated: 2026-04-30. Review status: criteria provided, single submitter. Criteria: ClinGen HL ACMG Specifications v1. Collection method: research. Allele origin: germline. Affected: yes.
Comment: Exon 34 deletion (MYO7A). This copy number variant has been classified as a variant of uncertain significance (VUS). It is rare in population databases (PM2_supporting) and involves a coding region of MYO7A, a gene sensitive to loss-of-function variation. However, the precise impact on the transcript and protein remains uncertain, precluding a definitive classification. The phenotype is consistent with Usher syndrome type I, providing supporting evidence for pathogenicity.

Literature cited by the submitters: PubMed 42233699.

NM_000260.4(MYO7A):c.4443_4568del (p.Pro1482_Arg1523del)

Gene: MYO7A (myosin VIIA; plus strand). Cytogenetic location: 11q13.5.
Variant type: Deletion.
Coding change: c.4443_4568del on transcript NM_000260.4 (MANE Select); coding-DNA positions 4443 to 4568, 126 bases deleted.
Protein change: p.Pro1482_Arg1523del.
Genome position (GRCh38, 1-based): chr11:77,198,496-77,198,621, 126 bases deleted. GRCh37 (hg19): chr11:76,909,541-76,909,666.
Other names: c.4443_4568del, p.Pro1482_Arg1523del (NM_001127180.2); c.4410_4535del, p.Pro1471_Arg1512del (NM_001369365.1).
Identifiers: ClinVar variation 4852824 (VCV004852824.1).